The following is an entry in ClinVar:

ClinVar aggregate classification (germline): Uncertain significance (1 of 4 stars; one submission).

Submission:

Women's Health and Genetics/Laboratory Corporation of America, LabCorp
Classification: Uncertain significance. Last evaluated: 2024-02-06. Review status: criteria provided, single submitter. Criteria: LabCorp Variant Classification Summary - May 2015. Collection method: clinical testing. Allele origin: germline.
Comment: Variant summary: The variant involves the duplication of exons 5-17 in the SPG7 gene. A presumed nomenclature of c.(618+1_619-1)_(*674_?)dup has been designated for the purposes of this classification. The exact breakpoint at the 3' end of this variant is unknown, therefore this duplication may extend downstream of the annotated region of the gene. As it duplicates the termination codon, its effect on the encoded protein is unknown. The variant was absent in 441902 control chromosomes in the gnomAD database (CNVs v4.0 dataset). The available data on variant occurrences in the general population are insufficient to allow any conclusion about variant significance. To our knowledge, no occurrence of c.(618+1_619-1)_(*674_?)dup in individuals affected with Hereditary Spastic Paraplegia 7 and no experimental evidence demonstrating its impact on protein function have been reported. No submitters have cited clinical-significance assessments for this variant to ClinVar. Based on the evidence outlined above, the variant was classified as uncertain significance.

NC_000016.9:g.(89590656_89592736)_(89624175_?)dup

Gene: SPG7 (SPG7 matrix AAA peptidase subunit, paraplegin; plus strand). Cytogenetic location: 16q24.3.
Variant type: Duplication.
Identifiers: ClinVar variation 3068999 (VCV003068999.1).